The following is an entry in ClinVar:

ClinVar aggregate classification (germline): Conflicting classifications of pathogenicity. Review status: criteria provided, conflicting classifications (1 of 4 stars). 2 submissions from 2 submitters: Likely pathogenic (1); Uncertain significance (1). Last evaluated 2025-06-12.

Allele frequency attached by ClinVar (database versions not stated): ExAC 0.00002; gnomAD 0.00001; TOPMed 0.00001.
gnomAD v4.1: 10 of 1,613,466 alleles (0.00062%); highest among the groups gnomAD compares: East Asian, 0.0022%; no homozygotes.

Submissions (2):

GeneDx
Classification: Likely pathogenic. Last evaluated: 2025-06-12. Review status: criteria provided, single submitter. Criteria: GeneDx Variant Classification Process June 2021. Collection method: clinical testing. Allele origin: germline. Affected: yes.
Comment: Canonical splice site variant predicted to result in an in-frame loss of the adjacent exon in a gene for which loss of function is a known mechanism of disease; Not observed at significant frequency in large population cohorts (gnomAD); Has not been previously published as pathogenic or benign to our knowledge

Women's Health and Genetics/Laboratory Corporation of America, LabCorp
Classification: Uncertain significance. Last evaluated: 2023-09-08. Review status: criteria provided, single submitter. Criteria: LabCorp Variant Classification Summary - May 2015. Collection method: clinical testing. Allele origin: germline.
Comment: Variant summary: CACNA1S c.3609+1G>A is located in a canonical splice-site and is predicted to affect mRNA splicing resulting in a significantly altered protein due to either exon skipping, shortening, or inclusion of intronic material. Several computational tools predict a significant impact on normal splicing: Four predict the variant abolishes a 5' splicing donor site. However, these predictions have yet to be confirmed by functional studies. Although a heterozygous loss-of-function variant has been reported in a patient affected with Hypokalaemic periodic paralysis (HOKPP; e.g., PMID 34777470), loss of function is not an established disease mechanism for HOKPP and Malignant Hyperthermia Susceptibility (MHS) (see e.g. PMID 33746731). The variant allele was found at a frequency of 2.1e-05 in 473476 control chromosomes (i.e., 10 heterozygotes; gnomAD and jMorp (Tadaka_2021) databases). The observed variant frequency is approximately 17 fold of the estimated maximal expected allele frequency for a pathogenic variant in CACNA1S causing Hypokalemic Periodic Paralysis phenotype (1.3e-06), suggesting that the variant may be benign. To our knowledge, no occurrence of c.3609+1G>A in individuals affected with Hypokalemic Periodic Paralysis and no experimental evidence demonstrating its impact on protein function have been reported. The following publication was ascertained in the context of this evaluation (PMID: 33179747). No submitters have reported clinical-significance assessments for this variant to ClinVar after 2014. Based on the evidence outlined above, the variant was classified as uncertain significance.

Literature cited by the submitters: PubMed 33179747 (cited by Women's Health and Genetics/Laboratory Corporation of America, LabCorp).

NM_000069.3(CACNA1S):c.3609+1G>A

Gene: CACNA1S (calcium voltage-gated channel subunit alpha1 S; minus strand). Cytogenetic location: 1q32.1.
Variant type: single nucleotide variant.
Coding change: c.3609+1G>A on transcript NM_000069.3 (MANE Select); the canonical splice donor site of the intron after coding-DNA position 3609, G replaced by A.
Molecular consequence: splice donor variant.
Genome position (GRCh38, 1-based): chr1:201,058,407, C>T on the plus strand (G>A on the coding strand, the complement: CACNA1S is on the minus strand). VCF-style: chr1-201058407-C-T. GRCh37 (hg19) VCF-style: chr1-201027535-C-T.
Identifiers: ClinVar variation 2627158 (VCV002627158.2), dbSNP rs754831666, ClinGen allele CA082641.